The following is an entry in ClinVar:

ClinVar aggregate classification (germline): Uncertain significance (1 of 4 stars; one submission).

Conditions:
Dilated cardiomyopathy 1II (CMD1II). Identifiers: Orphanet 154, MedGen C3554649, MONDO:0014073, OMIM 615184.

Submission:

Labcorp Genetics (formerly Invitae), Labcorp
Classification: Uncertain significance for Dilated cardiomyopathy 1II. Last evaluated: 2022-08-22. Review status: criteria provided, single submitter. Criteria: Invitae Variant Classification Sherloc (09022015). Collection method: clinical testing. Allele origin: germline.
Comment: Information on the frequency of this variant in the gnomAD database is not available, as this variant may be reported differently in the database. In summary, the available evidence is currently insufficient to determine the role of this variant in disease. Therefore, it has been classified as a Variant of Uncertain Significance. Variants that disrupt the consensus splice site are a relatively common cause of aberrant splicing (PMID: 17576681, 9536098). Algorithms developed to predict the effect of sequence changes on RNA splicing suggest that this variant may disrupt the consensus splice site. ClinVar contains an entry for this variant (Variation ID: 1382818). This variant has not been reported in the literature in individuals affected with CRYAB-related conditions. This sequence change falls in intron 3 of the CRYAB gene. It does not directly change the encoded amino acid sequence of the CRYAB protein. It affects a nucleotide within the consensus splice site.

Literature cited by the submitters: PubMed 17576681; PubMed 9536098.

NM_001289808.2(CRYAB):c.324+4_324+5delinsGA

Gene: CRYAB (crystallin alpha B; minus strand). Cytogenetic location: 11q23.1.
Variant type: Indel.
Coding change: c.324+4_324+5delinsGA on transcript NM_001289808.2 (MANE Select); bases 4 to 5 of the intron after coding-DNA position 324, TG replaced by GA.
Molecular consequence: intron variant.
Genome position (GRCh38, 1-based): chr11:111,910,322-111,910,323, CA replaced by TC on the plus strand (TG replaced by GA on the coding strand, the reverse complement: CRYAB is on the minus strand). VCF-style: chr11-111910322-CA-TC. GRCh37 (hg19) VCF-style: chr11-111781046-CA-TC.
Other names: c.324+4_324+5delinsGA (NM_001368245.1, NM_001885.3, NM_001289807.1); c.123+4_123+5delinsGA (NM_001368246.1, NM_001330379.1).
Identifiers: ClinVar variation 1382818 (VCV001382818.6), dbSNP rs1555165393, ClinGen allele CA2573146791.